The following is an entry in ClinVar:

ClinVar aggregate classification (germline): Uncertain significance (1 of 4 stars; one submission).

Conditions:
EGFR-related lung cancer (EGFR). Identifiers: MedGen CN130014.

Submission:

Labcorp Genetics (formerly Invitae), Labcorp
Classification: Uncertain significance for EGFR-related lung cancer. Last evaluated: 2022-01-19. Review status: criteria provided, single submitter. Criteria: Invitae Variant Classification Sherloc (09022015). Collection method: clinical testing. Allele origin: germline.
Comment: Algorithms developed to predict the effect of sequence changes on RNA splicing suggest that this variant may create or strengthen a splice site. Algorithms developed to predict the effect of missense changes on protein structure and function output the following: SIFT: "Tolerated"; PolyPhen-2: "Benign"; Align-GVGD: "Class C0". The arginine amino acid residue is found in multiple mammalian species, which suggests that this missense change does not adversely affect protein function. This variant has not been reported in the literature in individuals affected with EGFR-related conditions. This variant is not present in population databases (gnomAD no frequency). This sequence change replaces glycine, which is neutral and non-polar, with arginine, which is basic and polar, at codon 640 of the EGFR protein (p.Gly640Arg). In summary, the available evidence is currently insufficient to determine the role of this variant in disease. Therefore, it has been classified as a Variant of Uncertain Significance.

NM_005228.5(EGFR):c.1918G>A (p.Gly640Arg)

Gene: EGFR (epidermal growth factor receptor; plus strand). Cytogenetic location: 7p11.2.
Variant type: single nucleotide variant.
Coding change: c.1918G>A on transcript NM_005228.5 (MANE Select); coding-DNA position 1918, G replaced by A.
Protein change: p.Gly640Arg; replaces glycine 640 with arginine.
Molecular consequence: missense variant.
Genome position (GRCh38, 1-based): chr7:55,171,212, G>A. VCF-style: chr7-55171212-G-A. GRCh37 (hg19) VCF-style: chr7-55238905-G-A.
Other names: c.1783G>A, p.Gly595Arg (NM_001346897.2, NM_001346899.2); c.1918G>A, p.Gly640Arg (NM_001346898.2); c.1759G>A, p.Gly587Arg (NM_001346900.2); c.1117G>A, p.Gly373Arg (NM_001346941.2); short protein forms G587R, G595R, G640R, G373R.
Identifiers: ClinVar variation 2087912 (VCV002087912.4), dbSNP rs200989322, ClinGen allele CA367582314.